The following is an entry in ClinVar:

ClinVar aggregate classification (germline): Pathogenic. Review status: criteria provided, multiple submitters, no conflicts (2 of 4 stars). 2 submissions from 2 submitters: Pathogenic (2). Last evaluated 2024-01-10.

Conditions:
Familial cancer of breast. Also called: BREAST CANCER, FAMILIAL; Hereditary breast cancer; hereditary breast carcinoma. Identifiers: Orphanet 227535, MedGen C0346153, MONDO:0016419, OMIM 114480. Disease mechanism: loss of function.
Hereditary cancer-predisposing syndrome. Also called: Neoplastic Syndromes, Hereditary; Tumor predisposition; Hereditary Cancer Syndrome; Hereditary neoplastic syndrome. Identifiers: Orphanet 140162, MedGen C0027672, MeSH D009386, MONDO:0015356.

Submissions (2):

Myriad Genetics, Inc.
Classification: Pathogenic for Familial cancer of breast. Last evaluated: 2024-01-10. Review status: criteria provided, single submitter. Criteria: Myriad Autosomal Dominant, Autosomal Recessive and X-Linked Classification Criteria (2023). Collection method: clinical testing. Allele origin: unknown.
Comment: This variant is considered pathogenic. This variant creates a frameshift predicted to result in premature protein truncation.

Ambry Genetics
Classification: Pathogenic for Hereditary cancer-predisposing syndrome. Last evaluated: 2016-10-13. Review status: criteria provided, single submitter. Criteria: Ambry Variant Classification Scheme 2023. Collection method: clinical testing. Allele origin: germline.
Comment: The c.708delT pathogenic mutation, located in coding exon 6 of the ATM gene, results from a deletion of one nucleotide at nucleotide position 708, causing a translational frameshift with a predicted alternate stop codon. This alteration is expected to result in loss of function by premature protein truncation or nonsense-mediated mRNA decay. As such, this alteration is interpreted as a disease-causing mutation.

NM_000051.4(ATM):c.708del (p.Thr237fs)

Gene: ATM (ATM serine/threonine kinase; plus strand). Cytogenetic location: 11q22.3.
Variant type: Deletion.
Coding change: c.708del on transcript NM_000051.4 (MANE Select); coding-DNA position 708, one base deleted (T; older notation c.708delT).
Protein change: p.Thr237fs; shifts the reading frame from threonine 237.
Molecular consequence: frameshift variant.
Genome position (GRCh38, 1-based): chr11:108,244,833, T deleted; the last of 2 consecutive T bases (chr11:108,244,832-108,244,833); deleting either gives the same sequence. VCF-style (leftmost placement, unchanged base first): chr11-108244831-CT-C. GRCh37 (hg19) VCF-style: chr11-108115558-CT-C.
Other names: c.708del, p.Thr237fs (NM_001351834.2); c.708delT (NM_000051.3); short protein forms T237fs.
Identifiers: ClinVar variation 482647 (VCV000482647.5), dbSNP rs1555067034, ClinGen allele CA658656180.